The following is an entry in ClinVar:

ClinVar aggregate classification (germline): Likely benign. Review status: criteria provided, multiple submitters, no conflicts (2 of 4 stars). 2 submissions from 2 submitters: Likely benign (2). Last evaluated 2026-05-01.

Conditions:
Inborn genetic diseases. Identifiers: MedGen C0950123, MeSH D030342.

gnomAD v4.1: 55 of 1,614,188 alleles (0.0034%); highest among the groups gnomAD compares: Admixed American, 0.092%; no homozygotes.

Submissions (2):

CeGaT Center for Human Genetics Tuebingen
Classification: Likely benign. Last evaluated: 2026-05-01. Review status: criteria provided, single submitter. Criteria: CeGaT Center For Human Genetics Tuebingen Variant Classification Criteria Version 2. Collection method: clinical testing. Allele origin: germline. Affected: yes. Observed: 1 variant allele.
Comment: MED13: BP4

Ambry Genetics
Classification: Likely benign for Inborn genetic diseases. Last evaluated: 2025-05-21. Review status: criteria provided, single submitter. Criteria: Ambry Variant Classification Scheme 2023. Collection method: clinical testing. Allele origin: germline.

NM_005121.3(MED13):c.1631T>C (p.Val544Ala)

Gene: MED13 (mediator complex subunit 13; minus strand). Cytogenetic location: 17q23.2.
Variant type: single nucleotide variant.
Coding change: c.1631T>C on transcript NM_005121.3 (MANE Select); coding-DNA position 1631, T replaced by C.
Protein change: p.Val544Ala; replaces valine 544 with alanine.
Molecular consequence: missense variant.
Genome position (GRCh38, 1-based): chr17:62,010,886, A>G on the plus strand (T>C on the coding strand, the complement: MED13 is on the minus strand). VCF-style: chr17-62010886-A-G. GRCh37 (hg19) VCF-style: chr17-60088247-A-G.
Other names: short protein forms V544A.
Identifiers: ClinVar variation 4053428 (VCV004053428.3).